The following is an entry in ClinVar:

ClinVar aggregate classification (germline): Uncertain significance. Review status: criteria provided, multiple submitters, no conflicts (2 of 4 stars). 2 submissions from 2 submitters: Uncertain significance (2). Last evaluated 2023-11-11.

Conditions:
Early-infantile DEE. Also called: Early infantile epileptic encephalopathy with suppression bursts; Early infantile epileptic encephalopathy; Ohtahara syndrome. Identifiers: Orphanet 1934, MedGen C0393706, MONDO:0800491.

Allele frequency attached by ClinVar (database versions not stated): gnomAD exomes below 0.00001.
gnomAD v4.1: 1 of 1,613,060 alleles (0.000062%); highest among the groups gnomAD compares: Non-Finnish European, 0.000085%; no homozygotes.

Submissions (2):

GeneDx
Classification: Uncertain significance. Last evaluated: 2023-11-11. Review status: criteria provided, single submitter. Criteria: GeneDx Variant Classification Process June 2021. Collection method: clinical testing. Allele origin: germline. Affected: yes.
Comment: Has not been previously published as pathogenic or benign to our knowledge; Not observed at significant frequency in large population cohorts (gnomAD); Missense variants in this gene are often considered pathogenic (HGMD); In silico analysis supports that this missense variant does not alter protein structure/function; This substitution is predicted to be within the C-terminal cytoplasmic domain

Labcorp Genetics (formerly Invitae), Labcorp
Classification: Uncertain significance for Early-infantile DEE. Last evaluated: 2022-10-31. Review status: criteria provided, single submitter. Criteria: Invitae Variant Classification Sherloc (09022015). Collection method: clinical testing. Allele origin: germline.
Comment: This sequence change replaces lysine, which is basic and polar, with glutamic acid, which is acidic and polar, at codon 2007 of the SCN1A protein (p.Lys2007Glu). In summary, the available evidence is currently insufficient to determine the role of this variant in disease. Therefore, it has been classified as a Variant of Uncertain Significance. Advanced modeling of protein sequence and biophysical properties (such as structural, functional, and spatial information, amino acid conservation, physicochemical variation, residue mobility, and thermodynamic stability) performed at Invitae indicates that this missense variant is not expected to disrupt SCN1A protein function. ClinVar contains an entry for this variant (Variation ID: 1210876). This variant has not been reported in the literature in individuals affected with SCN1A-related conditions. This variant is present in population databases (rs761426364, gnomAD 0.0009%).

NM_001165963.4(SCN1A):c.6019A>G (p.Lys2007Glu)

Genes: SCN1A (sodium voltage-gated channel alpha subunit 1; minus strand), LOC102724058 (uncharacterized LOC102724058; plus strand). Cytogenetic location: 2q24.3.
Variant type: single nucleotide variant.
Coding change: c.6019A>G on transcript NM_001165963.4 (MANE Select); coding-DNA position 6019, A replaced by G.
Protein change: p.Lys2007Glu; replaces lysine 2007 with glutamic acid.
Molecular consequence: missense variant. On other transcripts: non-coding transcript variant (1).
Genome position (GRCh38, 1-based): chr2:165,991,256, T>C on the plus strand (A>G on the coding strand, the complement: SCN1A is on the minus strand). VCF-style: chr2-165991256-T-C. GRCh37 (hg19) VCF-style: chr2-166847766-T-C.
Other names: c.5935A>G, p.Lys1979Glu (NM_001165964.3, NM_001353957.2, NM_001353958.2); c.6019A>G, p.Lys2007Glu (NM_001202435.3, NM_001353948.2); c.5986A>G, p.Lys1996Glu (NM_001353949.2, NM_001353950.2, NM_001353951.2 and 2 more transcripts); c.5983A>G, p.Lys1995Glu (NM_001353954.2, NM_001353955.2); c.5932A>G, p.Lys1978Glu (NM_001353960.2); c.3577A>G, p.Lys1193Glu (NM_001353961.2); short protein forms K1193E, K1978E, K1979E, K1995E, K1996E, K2007E.
Identifiers: ClinVar variation 1210876 (VCV001210876.9), dbSNP rs761426364, ClinGen allele CA59797669.
Genomic context (GRCh38, chr2:165,991,256, plus strand): 5'-TCACAGGCTGTAAACAATTTGTCACCCAATTATTTTTATTTATTTTCATTTATTTCCCTT[T>C]GGCTTTTTCATCTTTGCCTTCTTGCTCATGTTTTTCCACAATTGGCTTTGTCACCCGGTC-3'
Protein context (NP_001159435.1, residues 1997-2009): HEQEGKDEKA[Lys2007Glu]GK